The following is an entry in ClinVar:

ClinVar aggregate classification (germline): Conflicting classifications of pathogenicity. Review status: criteria provided, conflicting classifications (1 of 4 stars). 6 submissions from 6 submitters: Uncertain significance (5); Likely benign (1). Last evaluated 2026-01-11.

Conditions:
Cardiovascular phenotype. Identifiers: MedGen CN230736.
Arrhythmogenic right ventricular dysplasia 8 (ARVD8). Also called: ARRHYTHMOGENIC RIGHT VENTRICULAR DYSPLASIA, FAMILIAL, 8; ARRHYTHMOGENIC RIGHT VENTRICULAR CARDIOMYOPATHY 8; Arrhythmogenic Right Ventricular Dysplasia/Cardiomyopathy 8. Identifiers: MedGen C1843896, MONDO:0011831, OMIM 607450.
Arrhythmogenic cardiomyopathy with wooly hair and keratoderma. Also called: PALMOPLANTAR KERATODERMA WITH LEFT VENTRICULAR CARDIOMYOPATHY AND WOOLLY HAIR; Dilated cardiomyopathy with woolly hair and keratoderma; Arrhythmogenic cardiomyopathy with woolly hair and keratoderma; Carvajal syndrome. Identifiers: Orphanet 65282, MedGen C1854063, MONDO:0011581, OMIM 605676.
Cardiomyopathy (CMYO). Also called: Cardiomyopathies. Identifiers: Orphanet 167848, MedGen C0878544, MONDO:0004994, HP:0001638. Inheritance: Various modes of inheritance.
Arrhythmogenic right ventricular dysplasia 1. Identifiers: Orphanet 3403, MedGen C1862511, MONDO:0007152, OMIM 107970.

Allele frequency attached by ClinVar (database versions not stated): ExAC 0.00002; gnomAD exomes 0.00002 and 0.00003; TOPMed 0.00002; gnomAD 0.00005; ESP Exome Variant Server 0.00008.
gnomAD v4.1: 42 of 1,613,854 alleles (0.0026%); highest among the groups gnomAD compares: Middle Eastern, 0.033%; no homozygotes.

Submissions (6):

Labcorp Genetics (formerly Invitae), Labcorp
Classification: Likely benign for Arrhythmogenic cardiomyopathy with wooly hair and keratoderma; Arrhythmogenic right ventricular dysplasia 8. Last evaluated: 2026-01-11. Review status: criteria provided, single submitter. Criteria: Invitae Variant Classification Sherloc (09022015). Collection method: clinical testing. Allele origin: germline.

Ambry Genetics
Classification: Uncertain significance for Cardiovascular phenotype. Last evaluated: 2024-12-29. Review status: criteria provided, single submitter. Criteria: Ambry Variant Classification Scheme 2023. Collection method: clinical testing. Allele origin: germline.
Comment: The p.A1688V variant (also known as c.5063C>T), located in coding exon 23 of the DSP gene, results from a C to T substitution at nucleotide position 5063. The alanine at codon 1688 is replaced by valine, an amino acid with similar properties. This amino acid position is conserved. In addition, this alteration is predicted to be tolerated by in silico analysis. Based on the available evidence, the clinical significance of this variant remains unclear.

All of Us Research Program, National Institutes of Health
Classification: Uncertain significance for Arrhythmogenic cardiomyopathy with wooly hair and keratoderma. Last evaluated: 2024-05-14. Review status: criteria provided, single submitter. Criteria: ACMG Guidelines, 2015. Collection method: clinical testing. Allele origin: germline. Inheritance: Autosomal dominant inheritance. Observed: 8 variant alleles, 8 heterozygotes.
Comment: This missense variant replaces alanine with valine at codon 1688 of the DSP protein. Computational prediction suggests that this variant may not impact protein structure and function (internally defined REVEL score threshold <= 0.5, PMID: 27666373). To our knowledge, functional studies have not been reported for this variant. This variant has not been reported in individuals affected with DSP-related disorders in the literature. This variant has been identified in 14/282196 chromosomes in the general population by the Genome Aggregation Database (gnomAD). The available evidence is insufficient to determine the role of this variant in disease conclusively. Therefore, this variant is classified as a Variant of Uncertain Significance.

This study involves interpretation of variants in research participants for the purpose of population health screening. Participant phenotype was not available at the time of variant classification. Additional details can be found in publication PMID: 35346344, PMCID: PMC8962531

Color Diagnostics, LLC DBA Color Health
Classification: Uncertain significance for Cardiomyopathy. Last evaluated: 2024-03-06. Review status: criteria provided, single submitter. Criteria: ACMG Guidelines, 2015. Collection method: clinical testing. Allele origin: germline.
Comment: This missense variant replaces alanine with valine at codon 1688 of the DSP protein. Computational prediction suggests that this variant may not impact protein structure and function (internally defined REVEL score threshold <= 0.5, PMID: 27666373). To our knowledge, functional studies have not been reported for this variant. This variant has not been reported in individuals affected with DSP-related disorders in the literature. This variant has been identified in 14/282196 chromosomes in the general population by the Genome Aggregation Database (gnomAD). The available evidence is insufficient to determine the role of this variant in disease conclusively. Therefore, this variant is classified as a Variant of Uncertain Significance.

Blueprint Genetics
Classification: Uncertain significance. Last evaluated: 2023-08-08. Review status: criteria provided, single submitter. Criteria: ACMG Guidelines, 2015. Collection method: clinical testing. Allele origin: germline.

Molecular Diagnostic Laboratory for Inherited Cardiovascular Disease, Montreal Heart Institute
Classification: Uncertain significance for Arrhythmogenic right ventricular dysplasia 1. Last evaluated: 2019-01-31. Review status: criteria provided, single submitter. Criteria: ACMG Guidelines, 2015. Collection method: clinical testing. Allele origin: germline. Affected: yes.

NM_004415.4(DSP):c.5063C>T (p.Ala1688Val)

Gene: DSP (desmoplakin; plus strand). Cytogenetic location: 6p24.3.
Variant type: single nucleotide variant.
Coding change: c.5063C>T on transcript NM_004415.4 (MANE Select); coding-DNA position 5063, C replaced by T.
Protein change: p.Ala1688Val; replaces alanine 1688 with valine.
Molecular consequence: missense variant. On other transcripts: intron variant (2).
Genome position (GRCh38, 1-based): chr6:7,581,253, C>T. VCF-style: chr6-7581253-C-T. GRCh37 (hg19) VCF-style: chr6-7581486-C-T.
Other names: c.4050+1013C>T (NM_001319034.2); c.3583-1389C>T (NM_001008844.3); short protein forms A1688V.
Identifiers: ClinVar variation 188467 (VCV000188467.19), dbSNP rs372288373, ClinGen allele CA004665.